The following is an entry in ClinVar:

NM_007215.4(POLG2):c.718G>A (p.Val240Ile)

Genes: MILR1 (mast cell immunoglobulin like receptor 1; plus strand), POLG2 (DNA polymerase gamma 2, accessory subunit; minus strand). Cytogenetic location: 17q23.3.
Variant type: single nucleotide variant.
Coding change: c.718G>A on transcript NM_007215.4 (MANE Select); coding-DNA position 718, G replaced by A.
Protein change: p.Val240Ile; replaces valine 240 with isoleucine.
Molecular consequence: missense variant.
Genome position (GRCh38, 1-based): chr17:64,492,744, C>T on the plus strand (G>A on the coding strand, the complement: POLG2 is on the minus strand). VCF-style: chr17-64492744-C-T. GRCh37 (hg19) VCF-style: chr17-62488861-C-T.
Other names: short protein forms V240I.
Identifiers: ClinVar variation 2760235 (VCV002760235.3), dbSNP rs2509551375, ClinGen allele CA400639160.

ClinVar aggregate classification (germline): Uncertain significance (1 of 4 stars; one submission).

Submission:

Labcorp Genetics (formerly Invitae), Labcorp
Classification: Uncertain significance. Last evaluated: 2023-09-12. Review status: criteria provided, single submitter. Criteria: Invitae Variant Classification Sherloc (09022015). Collection method: clinical testing. Allele origin: germline.
Comment: In summary, the available evidence is currently insufficient to determine the role of this variant in disease. Therefore, it has been classified as a Variant of Uncertain Significance. An algorithm developed to predict the effect of missense changes on protein structure and function (PolyPhen-2) suggests that this variant is likely to be tolerated. This variant has not been reported in the literature in individuals affected with POLG2-related conditions. This variant is not present in population databases (gnomAD no frequency). This sequence change replaces valine, which is neutral and non-polar, with isoleucine, which is neutral and non-polar, at codon 240 of the POLG2 protein (p.Val240Ile).